The following is an entry in ClinVar:

NM_000540.3(RYR1):c.12625-256C>T

Gene: RYR1 (ryanodine receptor 1; plus strand). Cytogenetic location: 19q13.2.
Variant type: single nucleotide variant.
Coding change: c.12625-256C>T on transcript NM_000540.3 (MANE Select); 256 bases into the intron before coding-DNA position 12625, C replaced by T.
Molecular consequence: intron variant.
Genome position (GRCh38, 1-based): chr19:38,564,703, C>T. VCF-style: chr19-38564703-C-T. GRCh37 (hg19) VCF-style: chr19-39055343-C-T.
Other names: c.12610-256C>T (NM_001042723.2).
Identifiers: ClinVar variation 680798 (VCV000680798.1), dbSNP rs10415812, ClinGen allele CA15949599.
Genomic context (GRCh38, chr19:38,564,703, plus strand): 5'-GAGTAACGGATTACAGGGGTGCGCCACCACACCGGCTAATTTTTGCATTTTTAGTAGAGA[C>T]GGGGGTTTCACCATGTTGGCCAGGCTGGTCTCGAACTCCTGACCCCAAGTGATCTGCCAG-3'

ClinVar aggregate classification (germline): Benign (1 of 4 stars; one submission).

Allele frequency attached by ClinVar (database versions not stated): gnomAD 0.10122 and 0.10185; TOPMed 0.10256; 1000 Genomes Project 0.11801; 1000 Genomes Project 30x 0.11899.
gnomAD v4.1: 15,298 of 151,874 alleles (10%); highest among the groups gnomAD compares: Admixed American, 13%; 881 homozygotes.

Submission:

GeneDx
Classification: Benign. Last evaluated: 2018-06-16. Review status: criteria provided, single submitter. Criteria: GeneDx Variant Classification (06012015). Collection method: clinical testing. Allele origin: germline. Affected: yes.
Comment: This variant is considered likely benign or benign based on one or more of the following criteria: it is a conservative change, it occurs at a poorly conserved position in the protein, it is predicted to be benign by multiple in silico algorithms, and/or has population frequency not consistent with disease.